The following is an entry in ClinVar:

NM_004628.5(XPC):c.1009G>A (p.Glu337Lys)

Gene: XPC (XPC complex subunit, DNA damage recognition and repair factor; minus strand). Cytogenetic location: 3p25.1.
Variant type: single nucleotide variant.
Coding change: c.1009G>A on transcript NM_004628.5 (MANE Select); coding-DNA position 1009, G replaced by A.
Protein change: p.Glu337Lys; replaces glutamic acid 337 with lysine.
Molecular consequence: missense variant. On other transcripts: non-coding transcript variant (2).
Genome position (GRCh38, 1-based): chr3:14,158,874, C>T on the plus strand (G>A on the coding strand, the complement: XPC is on the minus strand). VCF-style: chr3-14158874-C-T. GRCh37 (hg19) VCF-style: chr3-14200374-C-T.
Other names: c.1009G>A, p.Glu337Lys (NM_001354730.2, NM_001354727.2); c.430G>A, p.Glu144Lys (NM_001354726.2); c.991G>A, p.Glu331Lys (NM_001354729.2); short protein forms E144K, E331K, E337K.
Identifiers: ClinVar variation 1692815 (VCV001692815.1), dbSNP rs541829970, ClinGen allele CA2267519.
Genomic context (GRCh38, chr3:14,158,874, plus strand): 5'-GGTTTTCTAGAACTTGGCTGGAAGTTTCTGAGGAGCCTCCTGGATCCGCAGTCAATCTTT[C>T]CTTGGAAGGTTTCTTTCCCTTAAACAGAATAAGAAATTTTGCTTTTTTTTCTCCCCCCTC-3'
Protein context (NP_004619.3, residues 327-347): ATAKGKKPSK[Glu337Lys]RLTADPGGSS

ClinVar aggregate classification (germline): Uncertain significance (1 of 4 stars; one submission).

Conditions:
Xeroderma pigmentosum (XP). Identifiers: Orphanet 910, MedGen C0043346, MONDO:0019600.

Allele frequency attached by ClinVar (database versions not stated): gnomAD 0.00005; gnomAD exomes 0.00006 and 0.00014; 1000 Genomes Project 30x 0.00062; ExAC 0.00014; 1000 Genomes Project 0.00060.
gnomAD v4.1: 93 of 1,613,926 alleles (0.0058%); highest among the groups gnomAD compares: South Asian, 0.1%; no homozygotes.

Submission:

Sema4
Classification: Uncertain significance for Xeroderma pigmentosum. Last evaluated: 2021-11-26. Review status: criteria provided, single submitter. Criteria: Sema4 Curation Guidelines. Collection method: curation. Allele origin: germline.
Comment: The XPC c.1009G>A (p.E337K) variant has not been reported in the literature to our knowledge. It was observed in 33/30602 chromosomes of the South Asian subpopulation, with no homozygotes, in the large and broad cohorts of the Genome Aggregation Database (PMID: 32461654). The variant has not been reported in ClinVar. In silico tools suggest the impact of the variant on protein function is benign, though these predictions have not been confirmed by functional studies. There is no indication that this variant causes disease, but the evidence is insufficient currently to prove that conclusively. Thus, the clinical significance of this variant is currently uncertain.